The following is an entry in ClinVar:

ClinVar aggregate classification (germline): Benign. Review status: criteria provided, multiple submitters, no conflicts (2 of 4 stars). 2 submissions from 2 submitters: Benign (2). Last evaluated 2018-06-14.

Allele frequency attached by ClinVar (database versions not stated): gnomAD exomes 0.00598; ExAC 0.00729; gnomAD 0.02249 and 0.02441; 1000 Genomes Project 0.02296; TOPMed 0.02564; 1000 Genomes Project 30x 0.02608.
gnomAD v4.1: 6,290 of 1,259,462 alleles (0.5%); highest among the groups gnomAD compares: African/African-American, 8.1%; 220 homozygotes.

Submissions (2):

GeneDx
Classification: Benign. Last evaluated: 2018-06-14. Review status: criteria provided, single submitter. Criteria: GeneDx Variant Classification (06012015). Collection method: clinical testing. Allele origin: germline. Affected: yes.
Comment: This variant is considered likely benign or benign based on one or more of the following criteria: it is a conservative change, it occurs at a poorly conserved position in the protein, it is predicted to be benign by multiple in silico algorithms, and/or has population frequency not consistent with disease.

Breakthrough Genomics
Classification: Benign. Review status: criteria provided, single submitter. Criteria: ACMG Guidelines, 2015. Collection method: not provided. Allele origin: germline. Inheritance: Autosomal dominant inheritance. Affected: yes.

NM_001130438.3(SPTAN1):c.6707+118A>G

Gene: SPTAN1 (spectrin alpha, non-erythrocytic 1; plus strand). Cytogenetic location: 9q34.11.
Variant type: single nucleotide variant.
Coding change: c.6707+118A>G on transcript NM_001130438.3 (MANE Select); 118 bases into the intron after coding-DNA position 6707, A replaced by G.
Molecular consequence: intron variant.
Genome position (GRCh38, 1-based): chr9:128,628,060, A>G. VCF-style: chr9-128628060-A-G. GRCh37 (hg19) VCF-style: chr9-131390339-A-G.
Other names: c.6707+118A>G (NM_001363759.2); c.6692+118A>G (NM_003127.4); c.6647+118A>G (NM_001363765.2); c.6632+118A>G (NM_001195532.2).
Identifiers: ClinVar variation 676754 (VCV000676754.2), dbSNP rs114576138, ClinGen allele CA5265812.